The following is an entry in ClinVar:

ClinVar aggregate classification (germline): Uncertain significance (1 of 4 stars; one submission).

Conditions:
Familial thoracic aortic aneurysm and aortic dissection (TAAD). Also called: Thoracic aortic aneurysms and dissections. Identifiers: Orphanet 91387, MedGen C4707243, MONDO:0019625.

gnomAD v4.1: 1 of 1,611,234 alleles (0.000062%); no homozygotes.

Submission:

Ambry Genetics
Classification: Uncertain significance for Familial thoracic aortic aneurysm and aortic dissection. Last evaluated: 2026-02-19. Review status: criteria provided, single submitter. Criteria: Ambry Variant Classification Scheme 2023. Collection method: clinical testing. Allele origin: germline.
Comment: The p.S131A variant (also known as c.391T>G), located in coding exon 4 of the COL3A1 gene, results from a T to G substitution at nucleotide position 391. The serine at codon 131 is replaced by alanine, an amino acid with similar properties. This amino acid position is conserved. In addition, this alteration is predicted to be tolerated by in silico analysis. Based on the available evidence, the clinical significance of this variant remains unclear.

NM_000090.4(COL3A1):c.391T>G (p.Ser131Ala)

Gene: COL3A1 (collagen type III alpha 1 chain; plus strand). Cytogenetic location: 2q32.2.
Variant type: single nucleotide variant.
Coding change: c.391T>G on transcript NM_000090.4 (MANE Select); coding-DNA position 391, T replaced by G.
Protein change: p.Ser131Ala; replaces serine 131 with alanine.
Molecular consequence: missense variant.
Genome position (GRCh38, 1-based): chr2:188,985,722, T>G. VCF-style: chr2-188985722-T-G. GRCh37 (hg19) VCF-style: chr2-189850448-T-G.
Other names: short protein forms S131A.
Identifiers: ClinVar variation 4835140 (VCV004835140.1).